The following is an entry in ClinVar:

NM_001873.4(CPE):c.1334T>C (p.Val445Ala)

Gene: CPE (carboxypeptidase E; plus strand). Cytogenetic location: 4q32.3.
Variant type: single nucleotide variant.
Coding change: c.1334T>C on transcript NM_001873.4 (MANE Select); coding-DNA position 1334, T replaced by C.
Protein change: p.Val445Ala; replaces valine 445 with alanine.
Molecular consequence: missense variant.
Genome position (GRCh38, 1-based): chr4:165,497,513, T>C. VCF-style: chr4-165497513-T-C. GRCh37 (hg19) VCF-style: chr4-166418665-T-C.
Other names: short protein forms V445A.
Identifiers: ClinVar variation 3354966 (VCV003354966.1).

ClinVar aggregate classification (germline): Uncertain significance (0 of 4 stars; one submission).

Conditions:
CPE-related disorder. Also called: CPE-related condition.

gnomAD v4.1: 5 of 1,535,680 alleles (0.00033%); highest among the groups gnomAD compares: South Asian, 0.0013%; no homozygotes.

Submission:

PreventionGenetics, part of Exact Sciences
Classification: Uncertain significance for CPE-related condition. Last evaluated: 2024-09-03. Review status: no assertion criteria provided. Collection method: clinical testing. Allele origin: germline.
Comment: The CPE c.1334T>C variant is predicted to result in the amino acid substitution p.Val445Ala. This variant has been reported in individuals with neurodevelopmental disorders or autism spectrum disorders (Table S2, Turner et al. 2019. PubMed ID: 31785789; Supplementary Data 3, Zhou et al. 2022. PubMed ID: 35982159). This variant is reported in 0.0044% of alleles in individuals of South Asian descent in gnomAD. At this time, the clinical significance of this variant is uncertain due to the absence of conclusive functional and genetic evidence.